The following is an entry in ClinVar:

ClinVar aggregate classification (germline): Benign/Likely benign. Review status: criteria provided, multiple submitters, no conflicts (2 of 4 stars). 23 submissions from 23 submitters: Benign (12); Likely benign (7). 4 of the submissions do not count toward it. Last evaluated 2026-02-03.

Conditions:
ATM-related cancer predisposition. Also called: ATM-related cancer susceptibility. Identifiers: MedGen CN377759, MONDO:0700270.
Hereditary cancer-predisposing syndrome. Also called: Tumor predisposition; Hereditary neoplastic syndrome; Neoplastic Syndromes, Hereditary; Hereditary Cancer Syndrome. Identifiers: Orphanet 140162, MedGen C0027672, MeSH D009386, MONDO:0015356.
Familial cancer of breast. Also called: Hereditary breast cancer; hereditary breast carcinoma; BREAST CANCER, FAMILIAL. Identifiers: Orphanet 227535, MedGen C0346153, MONDO:0016419, OMIM 114480. Disease mechanism: loss of function.
Ataxia-telangiectasia syndrome (AT). Also called: LOUIS-BAR SYNDROME; Ataxia-telangiectasia; Ataxia telangiectasia (A-T); Cerebello-oculocutaneous telangiectasia; Immunodeficiency with ataxia telangiectasia; Ataxia-telangiectasia, complementation group D. Identifiers: Orphanet 100, MedGen C0004135, MONDO:0008840, OMIM 208900.

Allele frequency attached by ClinVar (database versions not stated): gnomAD exomes 0.00020 and 0.00059; ExAC 0.00075; 1000 Genomes Project 0.00140; 1000 Genomes Project 30x 0.00141; gnomAD 0.00198 and 0.00215; TOPMed 0.00216; ESP Exome Variant Server 0.00269.
gnomAD v4.1: 600 of 1,612,068 alleles (0.037%); highest among the groups gnomAD compares: African/African-American, 0.67%; 3 homozygotes.

Submissions (23):

Labcorp Genetics (formerly Invitae), Labcorp
Classification: Benign for Ataxia-telangiectasia syndrome. Last evaluated: 2026-02-03. Review status: criteria provided, single submitter. Criteria: Invitae Variant Classification Sherloc (09022015). Collection method: clinical testing. Allele origin: germline.

Institute for Biomarker Research, Medical Diagnostic Laboratories, L.L.C.
Classification: Benign for Hereditary cancer-predisposing syndrome. Last evaluated: 2025-04-30. Review status: criteria provided, single submitter. Criteria: ACMG Guidelines, 2015. Collection method: clinical testing. Allele origin: germline.
Comment: The missense variant NM_000051.4(ATM):c.370A>G (p.Ile124Val) has been reported to ClinVar as Benign/Likely benign with a status of (2 stars) criteria provided, multiple submitters, no conflicts (Variation ID 127373 as of 2025-04-03).There is a small physicochemical difference between isoleucine and valine, which is not likely to impact secondary protein structure as these residues share similar properties. For these reasons, this variant has been classified as Benign.

Center for Genomic Medicine, Rigshospitalet, Copenhagen University Hospital
Classification: Benign. Last evaluated: 2025-03-04. Review status: criteria provided, single submitter. Criteria: ACMG Guidelines, 2015. Collection method: clinical testing. Allele origin: germline.

Athena Diagnostics
Classification: Benign. Last evaluated: 2025-02-04. Review status: criteria provided, single submitter. Criteria: Athena Diagnostics Criteria. Collection method: clinical testing. Allele origin: unknown.
Comment: The frequency of this variant in the general population is higher than would generally be expected for pathogenic variants in this gene. Computational tools predict this amino acid change may be benign.

Blueprint Genetics
Classification: Likely benign. Last evaluated: 2024-10-11. Review status: criteria provided, single submitter. Criteria: ACMG Guidelines, 2015. Collection method: clinical testing. Allele origin: germline.

CeGaT Center for Human Genetics Tuebingen
Classification: Benign. Last evaluated: 2024-09-01. Review status: criteria provided, single submitter. Criteria: CeGaT Center For Human Genetics Tuebingen Variant Classification Criteria Version 2. Collection method: clinical testing. Allele origin: germline. Affected: yes. Observed: 2 variant alleles.
Comment: ATM: BP1, BP2, BP4, BS1

Myriad Genetics, Inc.
Classification: Benign for Familial cancer of breast. Last evaluated: 2024-04-19. Review status: criteria provided, single submitter. Criteria: Myriad Autosomal Dominant, Autosomal Recessive and X-Linked Classification Criteria (2023). Collection method: clinical testing. Allele origin: unknown.
Comment: This variant is considered benign. This variant has been observed at a population frequency that is significantly greater than expected given the associated disease prevalence and penetrance. This variant is strongly associated with less severe personal and family histories of cancer, typical for individuals without pathogenic variants in this gene [PMID: 25085752].

Department of Pathology and Laboratory Medicine, Sinai Health System
Classification: Likely benign for ATM-related cancer predisposition. Last evaluated: 2023-07-14. Review status: criteria provided, single submitter. Criteria: ACMG Guidelines, 2015. Collection method: clinical testing. Allele origin: germline. Affected: no.

KCCC/NGS Laboratory, Kuwait Cancer Control Center
Classification: Benign for Familial cancer of breast. Last evaluated: 2023-07-07. Review status: criteria provided, single submitter. Criteria: ACMG Guidelines, 2015. Collection method: clinical testing. Allele origin: germline. Affected: yes.

Genetic Services Laboratory, University of Chicago
Classification: Likely benign. Last evaluated: 2021-07-23. Review status: criteria provided, single submitter. Criteria: ACMG Guidelines, 2015. Collection method: clinical testing. Allele origin: germline. Affected: no.

GeneDx
Classification: Likely benign. Last evaluated: 2021-03-14. Review status: criteria provided, single submitter. Criteria: GeneDx Variant Classification Process June 2021. Collection method: clinical testing. Allele origin: germline. Affected: yes.
Comment: This variant is associated with the following publications: (PMID: 22952040, 11505391, 17333338, 19781682, 12673804, 25980754, 12552559)

ARUP Laboratories, Molecular Genetics and Genomics, ARUP Laboratories
Classification: Benign. Last evaluated: 2021-01-31. Review status: criteria provided, single submitter. Criteria: ARUP Molecular Germline Variant Investigation Process 2021. Collection method: clinical testing. Allele origin: germline.

Sema4
Classification: Benign for Hereditary cancer-predisposing syndrome. Last evaluated: 2020-09-10. Review status: criteria provided, single submitter. Criteria: Sema4 Curation Guidelines. Collection method: curation. Allele origin: germline.

Quest Diagnostics Nichols Institute San Juan Capistrano
Classification: Benign. Last evaluated: 2019-06-30. Review status: criteria provided, single submitter. Criteria: Quest Diagnostics criteria. Collection method: clinical testing. Allele origin: unknown.

Ambry Genetics
Classification: Likely benign for Hereditary cancer-predisposing syndrome. Last evaluated: 2018-09-07. Review status: criteria provided, single submitter. Criteria: Ambry Variant Classification Scheme 2023. Collection method: clinical testing. Allele origin: germline.

Women's Health and Genetics/Laboratory Corporation of America, LabCorp
Classification: Benign. Last evaluated: 2017-09-07. Review status: criteria provided, single submitter. Criteria: LabCorp Variant Classification Summary - May 2015. Collection method: clinical testing. Allele origin: germline.
Comment: Variant summary: The ATM c.370A>G (p.Ile124Val) variant involves the alteration of a non-conserved nucleotide. 5/5 in silico tools predict a benign outcome for this variant . This variant was found in 93/126020 control chromosomes, predominantly observed in the African subpopulation at a frequency of 0.007634 (79/10348). This frequency is about 8 times the estimated maximal expected allele frequency of a pathogenic ATM variant (0.0010005), suggesting this is likely a benign polymorphism found primarily in the populations of African origin. This missense mutation has been observed in cancer patients without significant evidence for a causal role in disease (e.g. co-segregation data were not provided). In at least one ataxia-telangiectasia patient the variant co-occured with two other mutations predicted to be causative for ataxia-telangiectasia (Buzin_2003). In addition, multiple clinical diagnostic laboratories/reputable databases classified this variant as benign/likely benign, and most peer reviewed publications consider the variant a polymorphism. Taken together, this variant is classified as benign.

Illumina Laboratory Services, Illumina
Classification: Benign for Ataxia-telangiectasia syndrome. Last evaluated: 2017-04-27. Review status: criteria provided, single submitter. Criteria: ICSL Variant Classification Criteria 13 December 2019. Collection method: clinical testing. Allele origin: germline.
Comment: This variant was observed as part of a predisposition screen in an ostensibly healthy population. A literature search was performed for the gene, cDNA change, and amino acid change (where applicable). Publications were found based on this search. The evidence from the literature, in combination with allele frequency data from public databases where available, was sufficient to rule this variant out of causing disease. Therefore, this variant is classified as benign.

Color Diagnostics, LLC DBA Color Health
Classification: Likely benign for Hereditary cancer-predisposing syndrome. Last evaluated: 2015-03-04. Review status: criteria provided, single submitter. Criteria: ACMG Guidelines, 2015. Collection method: clinical testing. Allele origin: germline.

PreventionGenetics, part of Exact Sciences
Classification: Likely benign. Review status: criteria provided, single submitter. Criteria: ACMG Guidelines, 2015. Collection method: clinical testing. Allele origin: germline.

Counsyl
Classification: Likely benign for Ataxia-telangiectasia syndrome. Last evaluated: 2018-01-19. Review status: no assertion criteria provided. Collection method: clinical testing. Allele origin: unknown. Not counted in ClinVar's aggregate classification.

Clinical Genetics DNA and cytogenetics Diagnostics Lab, Erasmus MC, Erasmus Medical Center
Classification: Likely benign. Review status: no assertion criteria provided. Collection method: clinical testing. Allele origin: germline. Affected: yes. Study: VKGL Data-share Consensus. Not counted in ClinVar's aggregate classification.

Clinical Genetics, Academic Medical Center
Classification: Likely benign. Review status: no assertion criteria provided. Collection method: clinical testing. Allele origin: germline. Affected: yes. Study: VKGL Data-share Consensus. Not counted in ClinVar's aggregate classification.

Joint Genome Diagnostic Labs from Nijmegen and Maastricht, Radboudumc and MUMC+
Classification: Likely benign. Review status: no assertion criteria provided. Collection method: clinical testing. Allele origin: germline. Affected: yes. Study: VKGL Data-share Consensus. Not counted in ClinVar's aggregate classification.

Literature cited by the submitters: PubMed 11505391 (cited by 5 submitters); PubMed 12552559 (cited by 5 submitters); PubMed 12673804 (cited by 4 submitters); PubMed 17333338 (cited by 4 submitters); PubMed 36315513 (cited by Athena Diagnostics and Quest Diagnostics Nichols Institute San Juan Capistrano); PubMed 26822949 (cited by Athena Diagnostics and Women's Health and Genetics/Laboratory Corporation of America, LabCorp); PubMed 23555315 (cited by Athena Diagnostics and Women's Health and Genetics/Laboratory Corporation of America, LabCorp); PubMed 20305132 (cited by 3 submitters); PubMed 19781682 (cited by 4 submitters); PubMed 33471991 (cited by 3 submitters); PubMed 25980754 (cited by 4 submitters); PubMed 22952040 (cited by 3 submitters); PubMed 25085752 (cited by Myriad Genetics, Inc.).

NM_000051.4(ATM):c.370A>G (p.Ile124Val)

Gene: ATM (ATM serine/threonine kinase; plus strand). Cytogenetic location: 11q22.3.
Variant type: single nucleotide variant.
Coding change: c.370A>G on transcript NM_000051.4 (MANE Select); coding-DNA position 370, A replaced by G.
Protein change: p.Ile124Val; replaces isoleucine 124 with valine.
Molecular consequence: missense variant.
Genome position (GRCh38, 1-based): chr11:108,235,708, A>G. VCF-style: chr11-108235708-A-G. GRCh37 (hg19) VCF-style: chr11-108106435-A-G.
Other names: p.I124V:ATC>GTC; c.370A>G, p.Ile124Val (NM_001351834.2); short protein forms I124V.
Identifiers: ClinVar variation 127373 (VCV000127373.84), dbSNP rs148590073, ClinGen allele CA286812.
Genomic context (GRCh38, chr11:108,235,708, plus strand): 5'-TTATTTGTTTATTTTGAAATAGGAGCACCTAGGCTAAAATGTCAAGAACTCTTAAATTAT[A>G]TCATGGATACAGTGAAAGATTCATCTAATGGTGCTATTTACGGAGCTGATTGTAGCAACA-3'
Protein context (NP_000042.3, residues 114-134): RLKCQELLNY[Ile124Val]MDTVKDSSNG